The following is an entry in ClinVar:

NM_152564.5(VPS13B):c.145C>T (p.Gln49Ter)

Gene: VPS13B (vacuolar protein sorting 13 homolog B; plus strand). Cytogenetic location: 8q22.2.
Variant type: single nucleotide variant.
Coding change: c.145C>T on transcript NM_152564.5 (MANE Select); coding-DNA position 145, C replaced by T.
Protein change: p.Gln49Ter; replaces glutamine 49 with a stop codon.
Molecular consequence: nonsense. On other transcripts: non-coding transcript variant (1).
Genome position (GRCh38, 1-based): chr8:99,013,933, C>T. VCF-style: chr8-99013933-C-T. GRCh37 (hg19) VCF-style: chr8-100026161-C-T.
Other names: c.145C>T, p.Gln49Ter (NM_015243.3, NM_017890.5, NM_181661.3); short protein forms Q49*.
Identifiers: ClinVar variation 1382786 (VCV001382786.6), dbSNP rs2132125704, ClinGen allele CA371856561.

ClinVar aggregate classification (germline): Pathogenic (1 of 4 stars; one submission).

Conditions:
Cohen syndrome (COH1). Also called: Cutis verticis gyrata, retinitis pigmentosa, and sensorineural deafness; PEPPER SYNDROME. Identifiers: Orphanet 193, MedGen C0265223, MONDO:0008999, OMIM 216550.

Submission:

Labcorp Genetics (formerly Invitae), Labcorp
Classification: Pathogenic for Cohen syndrome. Last evaluated: 2021-09-18. Review status: criteria provided, single submitter. Criteria: Invitae Variant Classification Sherloc (09022015). Collection method: clinical testing. Allele origin: germline.
Comment: For these reasons, this variant has been classified as Pathogenic. This variant has not been reported in the literature in individuals affected with VPS13B-related conditions. This variant is not present in population databases (ExAC no frequency). This sequence change creates a premature translational stop signal (p.Gln49*) in the VPS13B gene. It is expected to result in an absent or disrupted protein product. Loss-of-function variants in VPS13B are known to be pathogenic (PMID: 15141358, 16648375, 20461111).

Literature cited by the submitters: PubMed 15141358; PubMed 16648375; PubMed 20461111.